The following is an entry in ClinVar:

NM_005732.4(RAD50):c.148A>T (p.Lys50Ter)

Gene: RAD50 (RAD50 double strand break repair protein; plus strand). Cytogenetic location: 5q31.1.
Variant type: single nucleotide variant.
Coding change: c.148A>T on transcript NM_005732.4 (MANE Select); coding-DNA position 148, A replaced by T.
Protein change: p.Lys50Ter; replaces lysine 50 with a stop codon.
Molecular consequence: nonsense.
Genome position (GRCh38, 1-based): chr5:132,559,302, A>T. VCF-style: chr5-132559302-A-T. GRCh37 (hg19) VCF-style: chr5-131894994-A-T.
Other names: short protein forms K50*.
Identifiers: ClinVar variation 2127254 (VCV002127254.4), dbSNP rs876658371, ClinGen allele CA360953274.

ClinVar aggregate classification (germline): Pathogenic (1 of 4 stars; one submission).

Conditions:
Hereditary cancer-predisposing syndrome. Also called: Hereditary neoplastic syndrome; Tumor predisposition; Hereditary Cancer Syndrome; Neoplastic Syndromes, Hereditary. Identifiers: Orphanet 140162, MedGen C0027672, MeSH D009386, MONDO:0015356.

Submission:

Labcorp Genetics (formerly Invitae), Labcorp
Classification: Pathogenic for Hereditary cancer-predisposing syndrome. Last evaluated: 2022-05-07. Review status: criteria provided, single submitter. Criteria: Invitae Variant Classification Sherloc (09022015). Collection method: clinical testing. Allele origin: germline.
Comment: This sequence change creates a premature translational stop signal (p.Lys50*) in the RAD50 gene. It is expected to result in an absent or disrupted protein product. Loss-of-function variants in RAD50 are known to be pathogenic (PMID: 19409520). This variant is not present in population databases (gnomAD no frequency). This variant has not been reported in the literature in individuals affected with RAD50-related conditions. For these reasons, this variant has been classified as Pathogenic.

Literature cited by the submitters: PubMed 19409520.